The following is an entry in ClinVar:

ClinVar aggregate classification (germline): Uncertain significance. Review status: criteria provided, multiple submitters, no conflicts (2 of 4 stars). 3 submissions from 3 submitters: Uncertain significance (3). Last evaluated 2025-07-02.

Conditions:
Inborn genetic diseases. Identifiers: MedGen C0950123, MeSH D030342.
Hereditary spastic paraplegia 30. Identifiers: Orphanet 101010, MedGen C5235139, MONDO:0012476.
Neuropathy, hereditary sensory, type 2C. Also called: Hereditary sensory and autonomic neuropathy type IIC; KIF1A-Related HSAN2 (HSAN2C). Identifiers: Orphanet 970, MedGen C3280168, MONDO:0013634, OMIM 614213.
Intellectual disability, autosomal dominant 9 (NESCAVS). Also called: NESCAV SYNDROME; KIF1A-Related Neurodevelopmental Disorder. Identifiers: Orphanet 662367, MedGen C5393830, MONDO:0013656, OMIM 614255.

Allele frequency attached by ClinVar (database versions not stated): gnomAD exomes below 0.00001 and 0.00001; TOPMed 0.00001.
gnomAD v4.1: 1 of 1,594,718 alleles (0.000063%); highest among the groups gnomAD compares: Admixed American, 0.0017%; no homozygotes.

Submissions (3):

Labcorp Genetics (formerly Invitae), Labcorp
Classification: Uncertain significance for Hereditary spastic paraplegia 30; Neuropathy, hereditary sensory, type 2C; Intellectual disability, autosomal dominant 9. Last evaluated: 2025-07-02. Review status: criteria provided, single submitter. Criteria: Invitae Variant Classification Sherloc (09022015). Collection method: clinical testing. Allele origin: germline.
Comment: This sequence change replaces glutamic acid, which is acidic and polar, with glycine, which is neutral and non-polar, at codon 691 of the KIF1A protein (p.Glu691Gly). The frequency data for this variant in the population databases is considered unreliable, as metrics indicate poor data quality at this position in the gnomAD database. This variant has not been reported in the literature in individuals affected with KIF1A-related conditions. ClinVar contains an entry for this variant (Variation ID: 1407566). Invitae Evidence Modeling of protein sequence and biophysical properties (such as structural, functional, and spatial information, amino acid conservation, physicochemical variation, residue mobility, and thermodynamic stability) has been performed for this missense variant. However, the output from this modeling did not meet the statistical confidence thresholds required to predict the impact of this variant on KIF1A protein function. In summary, the available evidence is currently insufficient to determine the role of this variant in disease. Therefore, it has been classified as a Variant of Uncertain Significance.

Women's Health and Genetics/Laboratory Corporation of America, LabCorp
Classification: Uncertain significance. Last evaluated: 2024-03-27. Review status: criteria provided, single submitter. Criteria: LabCorp Variant Classification Summary - May 2015. Collection method: clinical testing. Allele origin: germline.
Comment: Variant summary: KIF1A c.2072A>G (p.Glu691Gly) results in a non-conservative amino acid change in the encoded protein sequence. Three of five in-silico tools predict a benign effect of the variant on protein function. The variant allele was found at a frequency of 8.2e-06 in 242450 control chromosomes. The available data on variant occurrences in the general population are insufficient to allow any conclusion about variant significance. To our knowledge, no occurrence of c.2072A>G in individuals affected with NESCAV Syndrome and no experimental evidence demonstrating its impact on protein function have been reported. ClinVar contains an entry for this variant (Variation ID: 1407566). Based on the evidence outlined above, the variant was classified as uncertain significance.

Ambry Genetics
Classification: Uncertain significance for Inborn genetic diseases. Last evaluated: 2020-02-25. Review status: criteria provided, single submitter. Criteria: Ambry Variant Classification Scheme 2023. Collection method: clinical testing. Allele origin: germline.
Comment: The p.E700G variant (also known as c.2099A>G), located in coding exon 22 of the KIF1A gene, results from an A to G substitution at nucleotide position 2099. The glutamic acid at codon 700 is replaced by glycine, an amino acid with similar properties. This amino acid position is highly conserved in available vertebrate species. In addition, the in silico prediction for this alteration is inconclusive. Since supporting evidence is limited at this time, the clinical significance of this alteration remains unclear.

NM_001244008.2(KIF1A):c.2099A>G (p.Glu700Gly)

Gene: KIF1A (kinesin family member 1A; minus strand). Cytogenetic location: 2q37.3.
Variant type: single nucleotide variant.
Coding change: c.2099A>G on transcript NM_001244008.2 (MANE Select); coding-DNA position 2099, A replaced by G.
Protein change: p.Glu700Gly; replaces glutamic acid 700 with glycine.
Molecular consequence: missense variant.
Genome position (GRCh38, 1-based): chr2:240,762,736, T>C on the plus strand (A>G on the coding strand, the complement: KIF1A is on the minus strand). VCF-style: chr2-240762736-T-C. GRCh37 (hg19) VCF-style: chr2-241702153-T-C.
Other names: c.2099A>G, p.Glu700Gly (NM_001320705.2, NM_001330289.2, NM_001379638.1); c.2174A>G, p.Glu725Gly (NM_001330290.2, NM_001379631.1, NM_001379634.1 and 2 more transcripts); c.2072A>G, p.Glu691Gly (NM_001379632.1, NM_001379633.1, NM_001379636.1 and 10 more transcripts); c.2147A>G, p.Glu716Gly (NM_001379637.1, NM_001379648.1); short protein forms E691G, E725G, E700G, E716G.
Identifiers: ClinVar variation 1407566 (VCV001407566.12), dbSNP rs1295868943, ClinGen allele CA351326104.